The following is an entry in ClinVar:

NM_031475.3(ESPN):c.1016G>A (p.Arg339Gln)

Gene: ESPN (espin; plus strand). Cytogenetic location: 1p36.31.
Variant type: single nucleotide variant.
Coding change: c.1016G>A on transcript NM_031475.3 (MANE Select); coding-DNA position 1016, G replaced by A.
Protein change: p.Arg339Gln; replaces arginine 339 with glutamine.
Molecular consequence: missense variant.
Genome position (GRCh38, 1-based): chr1:6,444,506, G>A. VCF-style: chr1-6444506-G-A. GRCh37 (hg19) VCF-style: chr1-6504566-G-A.
Other names: c.1016G>A, p.Arg339Gln (NM_001367473.1, NM_001367474.1); short protein forms R339Q.
Identifiers: ClinVar variation 163411 (VCV000163411.9), dbSNP rs148390614, ClinGen allele CA176049.

ClinVar aggregate classification (germline): Uncertain significance. Review status: criteria provided, multiple submitters, no conflicts (2 of 4 stars). 4 submissions from 4 submitters: Uncertain significance (4). Last evaluated 2025-07-12.

Conditions:
Inborn genetic diseases. Identifiers: MedGen C0950123, MeSH D030342.

Allele frequency attached by ClinVar (database versions not stated): ExAC 0.00002; TOPMed 0.00003; gnomAD 0.00004 and 0.00005; gnomAD exomes 0.00004; ESP Exome Variant Server 0.00015.
gnomAD v4.1: 62 of 1,614,062 alleles (0.0038%); highest among the groups gnomAD compares: Non-Finnish European, 0.0049%; no homozygotes.

Submissions (4):

GeneDx
Classification: Uncertain significance. Last evaluated: 2025-07-12. Review status: criteria provided, single submitter. Criteria: GeneDx Variant Classification Process June 2021. Collection method: clinical testing. Allele origin: germline. Affected: yes.
Comment: In silico analysis supports that this missense variant has a deleterious effect on protein structure/function; Has not been previously published as pathogenic or benign to our knowledge; Not observed at significant frequency in large population cohorts (gnomAD)

Ambry Genetics
Classification: Uncertain significance for Inborn genetic diseases. Last evaluated: 2025-04-11. Review status: criteria provided, single submitter. Criteria: Ambry Variant Classification Scheme 2023. Collection method: clinical testing. Allele origin: germline.

Blueprint Genetics
Classification: Uncertain significance. Last evaluated: 2023-09-26. Review status: criteria provided, single submitter. Criteria: ACMG Guidelines, 2015. Collection method: clinical testing. Allele origin: germline.

Laboratory for Molecular Medicine, Mass General Brigham Personalized Medicine
Classification: Uncertain significance. Last evaluated: 2014-09-11. Review status: criteria provided, single submitter. Criteria: LMM Criteria. Collection method: clinical testing. Allele origin: germline. Observed: 1 variant allele.
Comment: The Arg339Gln variant in ESPN has not been previously reported in individuals wi th hearing loss, but has been identified in 0.01% (1/8600) of European American chromosomes and in 0.01% (1/4406) of African American chromosomes by the NHLBI E xome Sequencing Project (dbSNP rs148390614). Computational prediction tools and conservation analysis do not provide strong s upport for or against an impact to the protein. In summary, the clinical signif icance of the Arg339Gln variant is uncertain.